The following is an entry in ClinVar:

NM_022168.4(IFIH1):c.874+6G>T

Gene: IFIH1 (interferon induced with helicase C domain 1; minus strand). Cytogenetic location: 2q24.2.
Variant type: single nucleotide variant.
Coding change: c.874+6G>T on transcript NM_022168.4 (MANE Select); 6 bases into the intron after coding-DNA position 874, G replaced by T.
Molecular consequence: intron variant.
Genome position (GRCh38, 1-based): chr2:162,293,558, C>A on the plus strand (G>T on the coding strand, the complement: IFIH1 is on the minus strand). VCF-style: chr2-162293558-C-A. GRCh37 (hg19) VCF-style: chr2-163150068-C-A.
Identifiers: ClinVar variation 2924387 (VCV002924387.4), dbSNP rs1422041632, ClinGen allele CA759863276.

ClinVar aggregate classification (germline): Uncertain significance. Review status: criteria provided, multiple submitters, no conflicts (2 of 4 stars). 2 submissions from 2 submitters: Uncertain significance (2). Last evaluated 2026-03-02.

Conditions:
Singleton-Merten syndrome 1 (SGMRT1). Also called: Widened medullary cavities of bone, aortic calcification, abnormal dentition, and muscular weakness; Syndrome of widened medullary cavities of the metacarpals and phalanges, aortic calcification and abnormal dentition. Identifiers: Orphanet 85191, MedGen C4225427, MONDO:0024535, OMIM 182250.
Aicardi-Goutieres syndrome 7 (AGS7). Identifiers: Orphanet 51, MedGen C3888244, MONDO:0014367, OMIM 615846.

Allele frequency attached by ClinVar (database versions not stated): gnomAD exomes below 0.00001; TOPMed below 0.00001.
gnomAD v4.1: 4 of 1,581,564 alleles (0.00025%); highest among the groups gnomAD compares: South Asian, 0.0033%; no homozygotes.

Submissions (2):

Women's Health and Genetics/Laboratory Corporation of America, LabCorp
Classification: Uncertain significance. Last evaluated: 2026-03-02. Review status: criteria provided, single submitter. Criteria: LabCorp Variant Classification Summary - May 2015. Collection method: clinical testing. Allele origin: germline.
Comment: Variant summary: IFIH1 c.874+6G>T alters a conserved nucleotide located close to a canonical splice site and therefore could affect mRNA splicing, leading to a significantly altered protein sequence. Consensus agreement among computation tools predict no significant impact on normal splicing. However, these predictions have yet to be confirmed by functional studies. The variant was absent in 249948 control chromosomes. The available data on variant occurrences in the general population are insufficient to allow any conclusion about variant significance. To our knowledge, no occurrence of c.874+6G>T in individuals affected with IFIH1-related conditions and no experimental evidence demonstrating its impact on protein function have been reported. ClinVar contains an entry for this variant (Variation ID: 2924387). Based on the evidence outlined above, the variant was classified as uncertain significance.

Labcorp Genetics (formerly Invitae), Labcorp
Classification: Uncertain significance for Aicardi-Goutieres syndrome 7; Singleton-Merten syndrome 1. Last evaluated: 2025-05-14. Review status: criteria provided, single submitter. Criteria: Invitae Variant Classification Sherloc (09022015). Collection method: clinical testing. Allele origin: germline.
Comment: This sequence change falls in intron 4 of the IFIH1 gene. It does not directly change the encoded amino acid sequence of the IFIH1 protein. It affects a nucleotide within the consensus splice site. This variant is not present in population databases (gnomAD no frequency). This variant has not been reported in the literature in individuals affected with IFIH1-related conditions. ClinVar contains an entry for this variant (Variation ID: 2924387). Variants that disrupt the consensus splice site are a relatively common cause of aberrant splicing (PMID: 17576681, 9536098). Algorithms developed to predict the effect of sequence changes on RNA splicing suggest that this variant is not likely to affect RNA splicing. In summary, the available evidence is currently insufficient to determine the role of this variant in disease. Therefore, it has been classified as a Variant of Uncertain Significance.

Literature cited by the submitters: PubMed 17576681 (cited by Labcorp Genetics (formerly Invitae), Labcorp); PubMed 9536098 (cited by Labcorp Genetics (formerly Invitae), Labcorp).